The following is an entry in ClinVar:

NM_005027.4(PIK3R2):c.459_460delinsAG (p.Arg154Gly)

Gene: PIK3R2 (phosphoinositide-3-kinase regulatory subunit 2; plus strand). Cytogenetic location: 19p13.11.
Variant type: Indel.
Coding change: c.459_460delinsAG on transcript NM_005027.4 (MANE Select); coding-DNA positions 459 to 460, GC replaced by AG.
Protein change: p.Arg154Gly; replaces arginine 154 with glycine.
Molecular consequence: missense variant. On other transcripts: non-coding transcript variant (2).
Genome position (GRCh38, 1-based): chr19:18,160,962-18,160,963, GC replaced by AG. VCF-style: chr19-18160962-GC-AG. GRCh37 (hg19) VCF-style: chr19-18271772-GC-AG.
Other names: short protein forms R154G.
Identifiers: ClinVar variation 1999467 (VCV001999467.4), dbSNP rs2513560955, ClinGen allele CA2580096732.
Genomic context (GRCh38, chr19:18,160,962, plus strand): 5'-GTCCCCTTCACCCCCAGGGCTGGACAGCGAATCTCACTACCGCCCGGAGCTGCCCGCACC[GC>AG]GTACAGGTGAAGGGGAGCCTCAATGGGGTTGGGAGGAGGCTGGGGGCCCCAGTACACATG-3'
Protein context (NP_005018.2, residues 144-164): SHYRPELPAP[Arg154Gly]TDWSLSDVDQ

ClinVar aggregate classification (germline): Uncertain significance (1 of 4 stars; one submission).

Conditions:
Megalencephaly-polymicrogyria-postaxial polydactyly-hydrocephalus syndrome. Also called: MEG-PMG-MEGACC SYNDROME; MPPH Syndrome. Identifiers: Orphanet 83473, MedGen C1863924, MONDO:0019375.

Submission:

Labcorp Genetics (formerly Invitae), Labcorp
Classification: Uncertain significance for Megalencephaly-polymicrogyria-postaxial polydactyly-hydrocephalus syndrome. Last evaluated: 2025-02-09. Review status: criteria provided, single submitter. Criteria: Invitae Variant Classification Sherloc (09022015). Collection method: clinical testing. Allele origin: germline.
Comment: This sequence change replaces arginine, which is basic and polar, with glycine, which is neutral and non-polar, at codon 154 of the PIK3R2 protein (p.Arg154Gly). Information on the frequency of this variant in the gnomAD database is not available, as this variant may be reported differently in the database. This variant has not been reported in the literature in individuals affected with PIK3R2-related conditions. ClinVar contains an entry for this variant (Variation ID: 1999467). Experimental studies and prediction algorithms are not available or were not evaluated, and the functional significance of this variant is currently unknown. In summary, the available evidence is currently insufficient to determine the role of this variant in disease. Therefore, it has been classified as a Variant of Uncertain Significance.